The following is an entry in ClinVar:

ClinVar aggregate classification (germline): Likely benign. Review status: criteria provided, multiple submitters, no conflicts (2 of 4 stars). 2 submissions from 2 submitters: Likely benign (2). Last evaluated 2023-06-01.

Allele frequency attached by ClinVar (database versions not stated): gnomAD exomes 0.00017; gnomAD 0.00020; TOPMed 0.00024; ExAC 0.00031; ESP Exome Variant Server 0.00046.
gnomAD v4.1: 292 of 1,606,834 alleles (0.018%); highest among the groups gnomAD compares: Admixed American, 0.018%; 1 homozygote.

Submissions (2):

CeGaT Center for Human Genetics Tuebingen
Classification: Likely benign. Last evaluated: 2023-06-01. Review status: criteria provided, single submitter. Criteria: CeGaT Center For Human Genetics Tuebingen Variant Classification Criteria Version 2. Collection method: clinical testing. Allele origin: germline. Affected: yes. Observed: 1 variant allele.
Comment: PHLPP2: BP4

Ambry Genetics
Classification: Likely benign. Last evaluated: 2021-11-09. Review status: criteria provided, single submitter. Criteria: Ambry Variant Classification Scheme 2023. Collection method: clinical testing. Allele origin: germline.

NM_015020.3(PHLPP2):c.610A>G (p.Ile204Val)

Gene: PHLPP2 (PH domain and leucine rich repeat protein phosphatase 2; minus strand). Cytogenetic location: 16q22.2.
Variant type: single nucleotide variant.
Coding change: c.610A>G on transcript NM_015020.3 (MANE Select); coding-DNA position 610, A replaced by G.
Protein change: p.Ile204Val; replaces isoleucine 204 with valine.
Molecular consequence: missense variant.
Genome position (GRCh38, 1-based): chr16:71,684,601, T>C on the plus strand (A>G on the coding strand, the complement: PHLPP2 is on the minus strand). VCF-style: chr16-71684601-T-C. GRCh37 (hg19) VCF-style: chr16-71718504-T-C.
Other names: c.610A>G, p.Ile204Val (NM_001289003.1); short protein forms I204V.
Identifiers: ClinVar variation 2352089 (VCV002352089.26), dbSNP rs144641434, ClinGen allele CA8155548.